The following is an entry in ClinVar:

ClinVar aggregate classification (germline): Uncertain significance (1 of 4 stars; one submission).

Conditions:
Ehlers-Danlos syndrome, classic type, 1 (EDSCL1). Also called: EHLERS-DANLOS SYNDROME, GRAVIS TYPE; EHLERS-DANLOS SYNDROME, SEVERE CLASSIC TYPE; Ehlers-Danlos syndrome, type 1; EDS I; Ehlers-Danlos Syndrome, Classic Type, COL5A1-Related. Identifiers: MedGen C0268335, MONDO:0019567, OMIM 130000.

Submission:

Labcorp Genetics (formerly Invitae), Labcorp
Classification: Uncertain significance for Ehlers-Danlos syndrome, classic type, 1. Last evaluated: 2022-03-12. Review status: criteria provided, single submitter. Criteria: Invitae Variant Classification Sherloc (09022015). Collection method: clinical testing. Allele origin: germline.
Comment: Advanced modeling of protein sequence and biophysical properties (such as structural, functional, and spatial information, amino acid conservation, physicochemical variation, residue mobility, and thermodynamic stability) performed at Invitae indicates that this missense variant is not expected to disrupt COL5A2 protein function. This variant has not been reported in the literature in individuals affected with COL5A2-related conditions. This variant is not present in population databases (gnomAD no frequency). This sequence change replaces asparagine, which is neutral and polar, with threonine, which is neutral and polar, at codon 44 of the COL5A2 protein (p.Asn44Thr). In summary, the available evidence is currently insufficient to determine the role of this variant in disease. Therefore, it has been classified as a Variant of Uncertain Significance.

NM_000393.5(COL5A2):c.131A>C (p.Asn44Thr)

Gene: COL5A2 (collagen type V alpha 2 chain; minus strand). Cytogenetic location: 2q32.2.
Variant type: single nucleotide variant.
Coding change: c.131A>C on transcript NM_000393.5 (MANE Select); coding-DNA position 131, A replaced by C.
Protein change: p.Asn44Thr; replaces asparagine 44 with threonine.
Molecular consequence: missense variant.
Genome position (GRCh38, 1-based): chr2:189,110,416, T>G on the plus strand (A>C on the coding strand, the complement: COL5A2 is on the minus strand). VCF-style: chr2-189110416-T-G. GRCh37 (hg19) VCF-style: chr2-189975142-T-G.
Other names: short protein forms N44T.
Identifiers: ClinVar variation 2109832 (VCV002109832.4), dbSNP rs2469425510, ClinGen allele CA349868729.